The following is an entry in ClinVar:

ClinVar aggregate classification (germline): Uncertain significance (1 of 4 stars; one submission).

Allele frequency attached by ClinVar (database versions not stated): gnomAD 0.00001; TOPMed 0.00001; gnomAD exomes 0.00004; ExAC 0.00005.
gnomAD v4.1: 53 of 1,613,150 alleles (0.0033%); highest among the groups gnomAD compares: Non-Finnish European, 0.0045%; no homozygotes.

Submission:

GeneDx
Classification: Uncertain significance. Last evaluated: 2024-12-02. Review status: criteria provided, single submitter. Criteria: GeneDx Variant Classification Process June 2021. Collection method: clinical testing. Allele origin: germline.
Comment: Nucleotide substitution has no predicted effect on splicing and is not conserved across species; Has not been previously published as pathogenic or benign to our knowledge

NM_000541.5(SAG):c.-5A>G

Gene: SAG (S-antigen visual arrestin; plus strand). Cytogenetic location: 2q37.1.
Variant type: single nucleotide variant.
Coding change: c.-5A>G on transcript NM_000541.5 (MANE Select); 5 bases upstream of the start codon, A replaced by G.
Molecular consequence: 5 prime UTR variant.
Genome position (GRCh38, 1-based): chr2:233,309,185, A>G. VCF-style: chr2-233309185-A-G. GRCh37 (hg19) VCF-style: chr2-234217831-A-G.
Identifiers: ClinVar variation 2503179 (VCV002503179.2), dbSNP rs769237565, ClinGen allele CA2174171.
Genomic context (GRCh38, chr2:233,309,185, plus strand): 5'-TTTCTCCAACCCTCTAACACCTGACCAACACCCCAAGGTGGTAGAAGTTGCCAGGGACAG[A>G]TAACATGGCAGCCAGCGGGAAGACCAGCAAGTCCGAACCGAACCATGTTATCTTCAAGAA-3'